The following is an entry in ClinVar:

ClinVar aggregate classification (germline): Uncertain significance (1 of 4 stars; one submission).

Conditions:
Cardiovascular phenotype. Identifiers: MedGen CN230736.

Submission:

Ambry Genetics
Classification: Uncertain significance for Cardiovascular phenotype. Last evaluated: 2024-02-22. Review status: criteria provided, single submitter. Criteria: Ambry Variant Classification Scheme 2023. Collection method: clinical testing. Allele origin: germline.
Comment: The p.A350D variant (also known as c.1049C>A), located in coding exon 5 of the ALPK3 gene, results from a C to A substitution at nucleotide position 1049. The alanine at codon 350 is replaced by aspartic acid, an amino acid with dissimilar properties. This amino acid position is conserved. In addition, the in silico prediction for this alteration is inconclusive. Based on the available evidence, the clinical significance of this alteration remains unclear.

NM_020778.5(ALPK3):c.443C>A (p.Ala148Asp)

Gene: ALPK3 (alpha kinase 3; plus strand). Cytogenetic location: 15q25.3.
Variant type: single nucleotide variant.
Coding change: c.443C>A on transcript NM_020778.5 (MANE Select); coding-DNA position 443, C replaced by A.
Protein change: p.Ala148Asp; replaces alanine 148 with aspartic acid.
Molecular consequence: missense variant.
Genome position (GRCh38, 1-based): chr15:84,839,722, C>A. VCF-style: chr15-84839722-C-A. GRCh37 (hg19) VCF-style: chr15-85382953-C-A.
Other names: short protein forms A148D.
Identifiers: ClinVar variation 3227437 (VCV003227437.1), dbSNP rs2505704761, ClinGen allele CA393372483.
Genomic context (GRCh38, chr15:84,839,722, plus strand): 5'-CCAGGAGGGGAGAGGTGGCACCTCCCGCTCCTACCTCTAGGTGTCGAGAAGAAGATGCCG[C>A]CATCTACCAGGCCTCTGCCCAGAACAGCAAGGGCATTGTGTCCTGCTCAGGGGTCCTGGA-3'
Protein context (NP_065829.4, residues 138-158): QLYRCREEDA[Ala148Asp]IYQASAQNSK